The following is an entry in ClinVar:

ClinVar aggregate classification (germline): Uncertain significance (1 of 4 stars; one submission).

Submission:

Labcorp Genetics (formerly Invitae), Labcorp
Classification: Uncertain significance. Last evaluated: 2022-01-21. Review status: criteria provided, single submitter. Criteria: Invitae Variant Classification Sherloc (09022015). Collection method: clinical testing. Allele origin: germline.
Comment: This variant is not present in population databases (gnomAD no frequency). This variant has not been reported in the literature in individuals affected with TCF20-related conditions. Algorithms developed to predict the effect of missense changes on protein structure and function output the following: SIFT: "Tolerated"; PolyPhen-2: "Benign"; Align-GVGD: "Class C0". The valine amino acid residue is found in multiple mammalian species, which suggests that this missense change does not adversely affect protein function. In summary, the available evidence is currently insufficient to determine the role of this variant in disease. Therefore, it has been classified as a Variant of Uncertain Significance. This sequence change replaces alanine, which is neutral and non-polar, with valine, which is neutral and non-polar, at codon 634 of the TCF20 protein (p.Ala634Val).

NM_001378418.1(TCF20):c.1901C>T (p.Ala634Val)

Gene: TCF20 (transcription factor 20; minus strand). Cytogenetic location: 22q13.2.
Variant type: single nucleotide variant.
Coding change: c.1901C>T on transcript NM_001378418.1 (MANE Select); coding-DNA position 1901, C replaced by T.
Protein change: p.Ala634Val; replaces alanine 634 with valine.
Molecular consequence: missense variant.
Genome position (GRCh38, 1-based): chr22:42,213,405, G>A on the plus strand (C>T on the coding strand, the complement: TCF20 is on the minus strand). VCF-style: chr22-42213405-G-A. GRCh37 (hg19) VCF-style: chr22-42609411-G-A.
Other names: c.1901C>T, p.Ala634Val (NM_005650.4, NM_181492.3); short protein forms A634V.
Identifiers: ClinVar variation 2088846 (VCV002088846.4), dbSNP rs1469481917, ClinGen allele CA411789836.